The following is an entry in ClinVar:

NM_006017.3(PROM1):c.83C>T (p.Ala28Val)

Gene: PROM1 (prominin 1; minus strand). Cytogenetic location: 4p15.32.
Variant type: single nucleotide variant.
Coding change: c.83C>T on transcript NM_006017.3 (MANE Select); coding-DNA position 83, C replaced by T.
Protein change: p.Ala28Val; replaces alanine 28 with valine.
Molecular consequence: missense variant.
Genome position (GRCh38, 1-based): chr4:16,075,824, G>A on the plus strand (C>T on the coding strand, the complement: PROM1 is on the minus strand). VCF-style: chr4-16075824-G-A. GRCh37 (hg19) VCF-style: chr4-16077447-G-A.
Other names: c.83C>T, p.Ala28Val (NM_001145847.2, NM_001145848.2, NM_001145849.2 and 6 more transcripts); short protein forms A28V.
Identifiers: ClinVar variation 1399357 (VCV001399357.6), dbSNP rs200267954, ClinGen allele CA356438146.
Genomic context (GRCh38, chr4:16,075,824, plus strand): 5'-TTATGGGAGTCTTGGGTCTCATAATTTGTTGCAGGCAATTCATAATTCCAAGCCTTAGGA[G>A]CATCTGTGGATGAAGGCTGCCCTCCTGAAAAGGAGTTCCCGCACAGCCCCAGCAGCAACA-3'
Protein context (NP_006008.1, residues 18-38): FSGGQPSSTD[Ala28Val]PKAWNYELPA

ClinVar aggregate classification (germline): Uncertain significance (1 of 4 stars; one submission).

Submission:

Labcorp Genetics (formerly Invitae), Labcorp
Classification: Uncertain significance. Last evaluated: 2022-08-10. Review status: criteria provided, single submitter. Criteria: Invitae Variant Classification Sherloc (09022015). Collection method: clinical testing. Allele origin: germline.
Comment: In summary, the available evidence is currently insufficient to determine the role of this variant in disease. Therefore, it has been classified as a Variant of Uncertain Significance. Algorithms developed to predict the effect of missense changes on protein structure and function (SIFT, PolyPhen-2, Align-GVGD) all suggest that this variant is likely to be tolerated. ClinVar contains an entry for this variant (Variation ID: 1399357). This variant has not been reported in the literature in individuals affected with PROM1-related conditions. This variant is not present in population databases (gnomAD no frequency). This sequence change replaces alanine, which is neutral and non-polar, with valine, which is neutral and non-polar, at codon 28 of the PROM1 protein (p.Ala28Val).